The following is an entry in ClinVar:

NM_000140.5(FECH):c.232G>A (p.Gly78Ser)

Gene: FECH (ferrochelatase; minus strand). Cytogenetic location: 18q21.31.
Variant type: single nucleotide variant.
Coding change: c.232G>A on transcript NM_000140.5 (MANE Select); coding-DNA position 232, G replaced by A.
Protein change: p.Gly78Ser; replaces glycine 78 with serine.
Molecular consequence: missense variant.
Genome position (GRCh38, 1-based): chr18:57,573,328, C>T on the plus strand (G>A on the coding strand, the complement: FECH is on the minus strand). VCF-style: chr18-57573328-C-T. GRCh37 (hg19) VCF-style: chr18-55240560-C-T.
Other names: c.250G>A, p.Gly84Ser (NM_001012515.4); c.232G>A, p.Gly78Ser (NM_001371094.1, NM_001374778.1); c.16G>A, p.Gly6Ser (NM_001371095.1); short protein forms G6S, G78S, G84S.
Identifiers: ClinVar variation 2006835 (VCV002006835.4), dbSNP rs2511541748, ClinGen allele CA402537035.

ClinVar aggregate classification (germline): Uncertain significance (1 of 4 stars; one submission).

Submission:

Labcorp Genetics (formerly Invitae), Labcorp
Classification: Uncertain significance. Last evaluated: 2022-06-15. Review status: criteria provided, single submitter. Criteria: Invitae Variant Classification Sherloc (09022015). Collection method: clinical testing. Allele origin: germline.
Comment: This sequence change replaces glycine, which is neutral and non-polar, with serine, which is neutral and polar, at codon 78 of the FECH protein (p.Gly78Ser). This variant is not present in population databases (gnomAD no frequency). This variant has not been reported in the literature in individuals affected with FECH-related conditions. Algorithms developed to predict the effect of missense changes on protein structure and function (SIFT, PolyPhen-2, Align-GVGD) all suggest that this variant is likely to be disruptive. In summary, the available evidence is currently insufficient to determine the role of this variant in disease. Therefore, it has been classified as a Variant of Uncertain Significance.